The following is an entry in ClinVar:

ClinVar aggregate classification (germline): Likely pathogenic. Review status: criteria provided, multiple submitters, no conflicts (2 of 4 stars). 2 submissions from 2 submitters: Likely pathogenic (2). Last evaluated 2025-07-30.

Conditions:
Cardiovascular phenotype. Identifiers: MedGen CN230736.

gnomAD v4.1: 1 of 1,611,518 alleles (0.000062%); highest among the groups gnomAD compares: Non-Finnish European, 0.000085%; no homozygotes.

Submissions (2):

GeneDx
Classification: Likely pathogenic. Last evaluated: 2025-07-30. Review status: criteria provided, single submitter. Criteria: GeneDx Variant Classification Process June 2021. Collection method: clinical testing. Allele origin: germline. Affected: yes.
Comment: Nonsense variant predicted to result in protein truncation or nonsense mediated decay in a gene for which loss of function is a known mechanism of disease; Located in a specific region of the I-band within TTN for which truncating variants are significantly associated with autosomal dominant cardiomyopathy and also with autosomal recessive skeletal myopathies (PMID: 27625338, 27869827, 32778822); Reported in an individual with DCM, although further detailed clinical information was not provided (PMID: 27813223); Not observed at significant frequency in large population cohorts (gnomAD); This variant is associated with the following publications: (PMID: 27625338, 27869827, 32778822, 27813223)

Ambry Genetics
Classification: Likely pathogenic for Cardiovascular phenotype. Last evaluated: 2016-06-23. Review status: criteria provided, single submitter. Criteria: Ambry Variant Classification Scheme 2023. Collection method: clinical testing. Allele origin: germline.
Comment: The p.E6141* variant (also known as c.18421G>T), located in coding exon 73 of the TTN gene, results from a G to T substitution at nucleotide position 18421. This changes the amino acid from a glutamic acid to a stop codon within coding exon 73, and is located in the I-band region of the N2-B isoform of the titin protein. This change occurs in the last base pair of coding exon 73, which makes it likely to have some effect on normal mRNA splicing. This variant was not reported in population based cohorts in the following databases: Database of Single Nucleotide Polymorphisms (dbSNP), NHLBI Exome Sequencing Project (ESP), and 1000 Genomes Project. In the ESP, this variant was not observed in 6048 samples (12096 alleles) with coverage at this position. This nucleotide position is highly conserved in available vertebrate species. Using the BDGP and ESEfinder splice site prediction tools, this alteration is predicted to weaken the efficiency of the native splice donor site; however, direct experimental evidence is unavailable. Truncating alterations in TTN were observed at a significantly higher frequency among patients with dilated cardiomyopathy (DCM), or 54/203 (27%), compared to patients with hypertrophic cardiomyopathy (3 of 231, 1%, P=3x10-16) and healthy controls (7 of 249, 3%, P=9x10-14). Among families with multiple relatives with DCM, studies also provided strong data demonstrating segregation of TTN truncations with disease (Herman DS et al. N Engl J Med. 2012;366(7):619-28; Pugh TJ et al. Genet Med. 2014;16(8):601-8). The functional mechanism of TTN truncations leading to DCM is not well understood; however, truncating alterations are typically deleterious in nature (ACMG Standards and guidelines for the interpretation of sequence variants. Genet Med. 2015;17(5):405-24). As such, this variant is classified as likely pathogenic.

NM_001267550.2(TTN):c.45616G>T (p.Glu15206Ter)

Genes: TTN (titin; minus strand), LOC126806427 (BRD4-independent group 4 enhancer GRCh37_chr2:179485777-179486976; plus strand). Cytogenetic location: 2q31.2.
Variant type: single nucleotide variant.
Coding change: c.45616G>T on transcript NM_001267550.2 (MANE Select); coding-DNA position 45616, G replaced by T.
Protein change: p.Glu15206Ter; replaces glutamic acid 15206 with a stop codon.
Molecular consequence: nonsense.
Genome position (GRCh38, 1-based): chr2:178,621,102, C>A on the plus strand (G>T on the coding strand, the complement: TTN is on the minus strand). VCF-style: chr2-178621102-C-A. GRCh37 (hg19) VCF-style: chr2-179485829-C-A.
Other names: c.45616G>T (NM_001267550.1); c.40693G>T, p.Glu13565Ter (NM_001256850.1); c.18421G>T, p.Glu6141Ter (NM_003319.4); c.37912G>T, p.Glu12638Ter (NM_133378.4); c.18796G>T, p.Glu6266Ter (NM_133432.3); c.18997G>T, p.Glu6333Ter (NM_133437.4); short protein forms E15206*, E6141*, E6333*, E6266*, E13565*, E12638*.
Identifiers: ClinVar variation 519097 (VCV000519097.6), dbSNP rs796314079, ClinGen allele CA60993942.
Genomic context (GRCh38, chr2:178,621,102, plus strand): 5'-TAAATACAAATACAAAACAAACAAACAAACAAAAAACCCTAAAAGCAAGAACAAACTTAC[C>A]AATGACTGTCAAGTGAGCTGCTGCTCTGGCGGCCCCTACCATGACAACGTAAGTGCCCAT-3'